The following is an entry in ClinVar:

ClinVar aggregate classification (germline): Uncertain significance (1 of 4 stars; one submission).

Submission:

Labcorp Genetics (formerly Invitae), Labcorp
Classification: Uncertain significance. Last evaluated: 2022-08-31. Review status: criteria provided, single submitter. Criteria: Invitae Variant Classification Sherloc (09022015). Collection method: clinical testing. Allele origin: germline.
Comment: This sequence change replaces histidine, which is basic and polar, with tyrosine, which is neutral and polar, at codon 799 of the PITPNM3 protein (p.His799Tyr). This variant is not present in population databases (gnomAD no frequency). In summary, the available evidence is currently insufficient to determine the role of this variant in disease. Therefore, it has been classified as a Variant of Uncertain Significance. Algorithms developed to predict the effect of missense changes on protein structure and function are either unavailable or do not agree on the potential impact of this missense change (SIFT: "Deleterious"; PolyPhen-2: "Probably Damaging"; Align-GVGD: "Class C0"). ClinVar contains an entry for this variant (Variation ID: 1008512). This variant has not been reported in the literature in individuals affected with PITPNM3-related conditions.

NM_031220.4(PITPNM3):c.2395C>T (p.His799Tyr)

Gene: PITPNM3 (PITPNM family member 3; minus strand). Cytogenetic location: 17p13.2.
Variant type: single nucleotide variant.
Coding change: c.2395C>T on transcript NM_031220.4 (MANE Select); coding-DNA position 2395, C replaced by T.
Protein change: p.His799Tyr; replaces histidine 799 with tyrosine.
Molecular consequence: missense variant.
Genome position (GRCh38, 1-based): chr17:6,461,468, G>A on the plus strand (C>T on the coding strand, the complement: PITPNM3 is on the minus strand). VCF-style: chr17-6461468-G-A. GRCh37 (hg19) VCF-style: chr17-6364788-G-A.
Other names: c.2287C>T, p.His763Tyr (NM_001165966.2); short protein forms H763Y, H799Y.
Identifiers: ClinVar variation 1008512 (VCV001008512.8), dbSNP rs1904448939, ClinGen allele CA397402038.